The following is an entry in ClinVar:

NM_153704.6(TMEM67):c.1975C>T (p.Arg659Ter)

Gene: TMEM67 (transmembrane protein 67; plus strand). Cytogenetic location: 8q22.1.
Variant type: single nucleotide variant.
Coding change: c.1975C>T on transcript NM_153704.6 (MANE Select); coding-DNA position 1975, C replaced by T.
Protein change: p.Arg659Ter; replaces arginine 659 with a stop codon.
Molecular consequence: nonsense. On other transcripts: non-coding transcript variant (1).
Genome position (GRCh38, 1-based): chr8:93,797,345, C>T. VCF-style: chr8-93797345-C-T. GRCh37 (hg19) VCF-style: chr8-94809573-C-T.
Other names: c.1732C>T, p.Arg578Ter (NM_001142301.1); c.1975C>T (NM_153704.5); short protein forms R578*, R659*.
Identifiers: ClinVar variation 1072098 (VCV001072098.15), dbSNP rs150332116, ClinGen allele CA4808174.

ClinVar aggregate classification (germline): Pathogenic/Likely pathogenic. Review status: criteria provided, multiple submitters, no conflicts (2 of 4 stars). 5 submissions from 5 submitters: Pathogenic (2); Likely pathogenic (3). Last evaluated 2026-06-02.

Conditions:
Meckel syndrome, type 3 (MKS3). Also called: MECKEL-GRUBER SYNDROME, TYPE 3. Identifiers: Orphanet 564, MedGen C1846357, MONDO:0011821, OMIM 607361.
Joubert syndrome 6 (JBTS6). Identifiers: Orphanet 475, MedGen C1853153, MONDO:0012539, OMIM 610688.
Nephronophthisis 11 (NPHP11). Identifiers: Orphanet 84081, MedGen C3150796, MONDO:0013302, OMIM 613550.
Bardet-Biedl syndrome 14 (BBS14). Identifiers: Orphanet 110, MedGen C2673874, MONDO:0014442, OMIM 615991.
RHYNS syndrome. Also called: RETINITIS PIGMENTOSA SYNDROME; RETINITIS PIGMENTOSA, HYPOPITUITARISM, NEPHRONOPHTHISIS, AND MILD SKELETAL DYSPLASIA. Identifiers: Orphanet 140976, MedGen C1865794, MONDO:0011202, OMIM 602152.
COACH syndrome 1. Identifiers: Orphanet 1454, MedGen C5435651, MONDO:0800103, OMIM 216360, MONDO:0008996.
TMEM67-related disorder. Also called: TMEM67-related disorders; TMEM67-related condition. Identifiers: MedGen CN239423.
Meckel-Gruber syndrome. Also called: Dysencephalia splachnocystica; DYSENCEPHALIA SPLANCHNOCYSTICA; GRUBER SYNDROME. Identifiers: Orphanet 564, MedGen C0265215, MONDO:0018921.
Joubert syndrome. Also called: JOUBERT-BOLTSHAUSER SYNDROME; Familial aplasia of the vermis. Identifiers: Orphanet 475, MedGen C5979921, MONDO:0018772.

Allele frequency attached by ClinVar (database versions not stated): TOPMed 0.00003; gnomAD 0.00004; gnomAD exomes 0.00004 and 0.00008; ESP Exome Variant Server 0.00008; ExAC 0.00010.
gnomAD v4.1: 62 of 1,613,898 alleles (0.0038%); highest among the groups gnomAD compares: South Asian, 0.0022%; no homozygotes.

Submissions (5):

PreventionGenetics, part of Exact Sciences
Classification: Likely pathogenic for TMEM67-related condition. Last evaluated: 2026-06-02. Review status: criteria provided, single submitter. Criteria: ACMG Guidelines, 2015. Collection method: clinical testing. Allele origin: germline.
Comment: The TMEM67 c.1975C>T variant is predicted to result in premature protein termination (p.Arg659*). This variant was reported in the compound heterozygous state in individuals with Meckel syndrome, Joubert syndrome, and CNS anomaly phenotypes (Stembalska et al 2021. PubMed ID: 34356094; Table S1 - Sukenik-Halevy et al 2022. PubMed ID: 35032046; Yaron et al 2022. PubMed ID: 35229910). This variant is reported in 0.12% of alleles in individuals of Ashkenazi Jewish descent in gnomAD. Nonsense variants in TMEM67 are expected to be pathogenic. This variant is interpreted as likely pathogenic.

Labcorp Genetics (formerly Invitae), Labcorp
Classification: Pathogenic for Joubert syndrome; Meckel-Gruber syndrome. Last evaluated: 2025-12-08. Review status: criteria provided, single submitter. Criteria: Invitae Variant Classification Sherloc (09022015). Collection method: clinical testing. Allele origin: germline.
Comment: This sequence change creates a premature translational stop signal (p.Arg659*) in the TMEM67 gene. It is expected to result in an absent or disrupted protein product. Loss-of-function variants in TMEM67 are known to be pathogenic (PMID: 20232449, 23559409). This variant is present in population databases (rs150332116, gnomAD 0.1%). This variant has not been reported in the literature in individuals affected with TMEM67-related conditions. ClinVar contains an entry for this variant (Variation ID: 1072098). Algorithms developed to predict the effect of sequence changes on RNA splicing suggest that this variant may disrupt the consensus splice site. For these reasons, this variant has been classified as Pathogenic.

Fulgent Genetics
Classification: Pathogenic for COACH syndrome 1; RHYNS syndrome; Meckel syndrome, type 3; Joubert syndrome 6; Nephronophthisis 11; Bardet-Biedl syndrome 14. Last evaluated: 2024-03-11. Review status: criteria provided, single submitter. Criteria: ACMG Guidelines, 2015. Collection method: clinical testing. Allele origin: germline.

Revvity Omics, Revvity
Classification: Likely pathogenic. Last evaluated: 2021-11-30. Review status: criteria provided, single submitter. Criteria: ACMG Guidelines, 2015. Collection method: clinical testing. Allele origin: germline.

Blueprint Genetics
Classification: Likely pathogenic for TMEM67-related disorders. Last evaluated: 2021-06-03. Review status: criteria provided, single submitter. Criteria: ACMG Guidelines, 2015. Collection method: clinical testing. Allele origin: germline. Affected: yes. Observed: 5 variant alleles.

Literature cited by the submitters: PubMed 20232449 (cited by Labcorp Genetics (formerly Invitae), Labcorp); PubMed 23559409 (cited by Labcorp Genetics (formerly Invitae), Labcorp).